The following is an entry in ClinVar:

NM_001170700.3(DTHD1):c.2572_2573delinsAA (p.Ser858Lys)

Gene: DTHD1 (death domain containing 1; plus strand). Cytogenetic location: 4p14.
Variant type: Indel.
Coding change: c.2572_2573delinsAA on transcript NM_001170700.3 (MANE Select); coding-DNA positions 2572 to 2573, TC replaced by AA.
Protein change: p.Ser858Lys; replaces serine 858 with lysine.
Molecular consequence: missense variant. On other transcripts: non-coding transcript variant (2).
Genome position (GRCh38, 1-based): chr4:36,343,675-36,343,676, TC replaced by AA. VCF-style: chr4-36343675-TC-AA. GRCh37 (hg19) VCF-style: chr4-36345297-TC-AA.
Other names: c.1702_1703delinsAA, p.Ser568Lys (NM_001136536.5); c.1581_1582delinsAA, p.Asn527_Arg528delinsLysSer (NM_001378435.1); short protein forms S858K, S568K.
Identifiers: ClinVar variation 1396241 (VCV001396241.6), dbSNP rs2109588382, ClinGen allele CA2573137682.

ClinVar aggregate classification (germline): Uncertain significance (1 of 4 stars; one submission).

Submission:

Labcorp Genetics (formerly Invitae), Labcorp
Classification: Uncertain significance. Last evaluated: 2024-03-04. Review status: criteria provided, single submitter. Criteria: Invitae Variant Classification Sherloc (09022015). Collection method: clinical testing. Allele origin: germline.
Comment: This sequence change replaces serine, which is neutral and polar, with lysine, which is basic and polar, at codon 568 of the DTHD1 protein (p.Ser568Lys). This variant is present in population databases (no rsID available, gnomAD 0.0006%). This variant has not been reported in the literature in individuals affected with DTHD1-related conditions. ClinVar contains an entry for this variant (Variation ID: 1396241). An algorithm developed to predict the effect of missense changes on protein structure and function (PolyPhen-2) suggests that this variant is likely to be disruptive. In summary, the available evidence is currently insufficient to determine the role of this variant in disease. Therefore, it has been classified as a Variant of Uncertain Significance.